The following is an entry in ClinVar:

ClinVar aggregate classification (germline): Uncertain significance. Review status: criteria provided, multiple submitters, no conflicts (2 of 4 stars). 3 submissions from 3 submitters: Uncertain significance (3). Last evaluated 2023-08-30.

Conditions:
Inborn genetic diseases. Identifiers: MedGen C0950123, MeSH D030342.
Severe myoclonic epilepsy in infancy (DRVT). Also called: Dravet syndrome; Epileptic encephalopathy, early infantile, 6 (Dravet syndrome); Severe Myoclonic Epilepsy in Infancy (SMEI); SEVERE MYOCLONIC EPILEPSY OF INFANCY; DEVELOPMENTAL AND EPILEPTIC ENCEPHALOPATHY 6A. Identifiers: Orphanet 33069, MedGen C0751122, MONDO:0100135, OMIM 607208.

Allele frequency attached by ClinVar (database versions not stated): TOPMed 0.00005.
gnomAD v4.1: 7 of 1,370,862 alleles (0.00051%); highest among the groups gnomAD compares: African/African-American, 0.011%; no homozygotes.

Submissions (3):

Labcorp Genetics (formerly Invitae), Labcorp
Classification: Uncertain significance for Severe myoclonic epilepsy in infancy. Last evaluated: 2023-08-30. Review status: criteria provided, single submitter. Criteria: Invitae Variant Classification Sherloc (09022015). Collection method: clinical testing. Allele origin: germline.
Comment: This sequence change replaces glycine, which is neutral and non-polar, with valine, which is neutral and non-polar, at codon 6 of the SNX27 protein (p.Gly6Val). In summary, the available evidence is currently insufficient to determine the role of this variant in disease. Therefore, it has been classified as a Variant of Uncertain Significance. An algorithm developed to predict the effect of missense changes on protein structure and function (PolyPhen-2) suggests that this variant is likely to be disruptive. ClinVar contains an entry for this variant (Variation ID: 1026063). This variant has not been reported in the literature in individuals affected with SNX27-related conditions. This variant is not present in population databases (gnomAD no frequency).

Center for Genomics, Ann and Robert H. Lurie Children's Hospital of Chicago
Classification: Uncertain significance. Last evaluated: 2022-01-20. Review status: criteria provided, single submitter. Criteria: ACMG Guidelines, 2015. Collection method: clinical testing. Allele origin: germline.
Comment: SNX27 NM_030918.5 exon 1 p.Gly6Val (c.17G>T): This variant has not been reported in the literature but is present in 0.007% (3/41446) of African alleles in the Genome Aggregation Database. Evolutionary conservation and computational predictive tools suggest that this variant may not impact the protein. This variant is present in ClinVar (Variation ID:1026063). In summary, data on this variant is insufficient for disease classification. Therefore, the clinical significance of this variant is uncertain.

Ambry Genetics
Classification: Uncertain significance for Inborn genetic diseases. Last evaluated: 2021-11-15. Review status: criteria provided, single submitter. Criteria: Ambry Variant Classification Scheme 2023. Collection method: clinical testing. Allele origin: germline.

NM_001330723.2(SNX27):c.17G>T (p.Gly6Val)

Genes: SNX27 (sorting nexin 27; plus strand), LOC129931442 (ATAC-STARR-seq lymphoblastoid silent region 1324; plus strand). Cytogenetic location: 1q21.3.
Variant type: single nucleotide variant.
Coding change: c.17G>T on transcript NM_001330723.2 (MANE Select); coding-DNA position 17, G replaced by T.
Protein change: p.Gly6Val; replaces glycine 6 with valine.
Molecular consequence: missense variant.
Genome position (GRCh38, 1-based): chr1:151,612,218, G>T. VCF-style: chr1-151612218-G-T. GRCh37 (hg19) VCF-style: chr1-151584694-G-T.
Other names: c.17G>T, p.Gly6Val (NM_030918.6); c.17G>T (NM_030918.5); short protein forms G6V.
Identifiers: ClinVar variation 1026063 (VCV001026063.15), dbSNP rs954308263, ClinGen allele CA30493420.